The following is an entry in ClinVar:

ClinVar aggregate classification (germline): Likely benign (1 of 4 stars; one submission).

Submission:

CeGaT Center for Human Genetics Tuebingen
Classification: Likely benign. Last evaluated: 2023-04-01. Review status: criteria provided, single submitter. Criteria: CeGaT Center For Human Genetics Tuebingen Variant Classification Criteria Version 2. Collection method: clinical testing. Allele origin: germline. Affected: yes. Observed: 1 variant allele.
Comment: HYDIN: PM2:Supporting, BP4, BP7

NM_001270974.2(HYDIN):c.8400G>T (p.Val2800=)

Gene: HYDIN (HYDIN axonemal central pair apparatus protein; minus strand). Cytogenetic location: 16q22.2.
Variant type: single nucleotide variant.
Coding change: c.8400G>T on transcript NM_001270974.2 (MANE Select); coding-DNA position 8400, G replaced by T.
Protein change: p.Val2800=; no amino-acid change (valine 2800 retained).
Molecular consequence: synonymous variant.
Genome position (GRCh38, 1-based): chr16:70,907,488, C>A on the plus strand (G>T on the coding strand, the complement: HYDIN is on the minus strand). VCF-style: chr16-70907488-C-A. GRCh37 (hg19) VCF-style: chr16-70941391-C-A.
Identifiers: ClinVar variation 2646738 (VCV002646738.24), dbSNP rs2507014491, ClinGen allele CA496241526.